The following is an entry in ClinVar:

ClinVar aggregate classification (germline): Conflicting classifications of pathogenicity. Review status: criteria provided, conflicting classifications (1 of 4 stars). 2 submissions from 2 submitters: Uncertain significance (1); Likely benign (1). Last evaluated 2026-05-01.

Conditions:
Polymicrogyria. Identifiers: Orphanet 35981, MedGen C0266464, MONDO:0000087, HP:0002126.

Allele frequency attached by ClinVar (database versions not stated): 1000 Genomes Project 30x 0.00172; 1000 Genomes Project 0.00180; TOPMed 0.00184; gnomAD 0.00274 and 0.00287; ESP Exome Variant Server 0.00338; gnomAD exomes 0.00343 and 0.00374; ExAC 0.00405.

Submissions (2):

CeGaT Center for Human Genetics Tuebingen
Classification: Likely benign. Last evaluated: 2026-05-01. Review status: criteria provided, single submitter. Criteria: CeGaT Center For Human Genetics Tuebingen Variant Classification Criteria Version 2. Collection method: clinical testing. Allele origin: germline. Affected: yes. Observed: 1 variant allele.
Comment: LINGO4: BS2

Lupski Lab, Baylor-Hopkins CMG, Baylor College of Medicine
Classification: Uncertain significance for Polymicrogyria. Last evaluated: 2017-09-01. Review status: criteria provided, single submitter. Criteria: Wiszniewski et al. (Eur J Hum Genet. 2018). Collection method: research. Allele origin: inherited, unknown. Inheritance: Autosomal recessive inheritance. Affected: yes and no. Observed: 2 variant alleles.

NM_001004432.4(LINGO4):c.851C>T (p.Ser284Phe)

Gene: LINGO4 (leucine rich repeat and Ig domain containing 4; minus strand). Cytogenetic location: 1q21.3.
Variant type: single nucleotide variant.
Coding change: c.851C>T on transcript NM_001004432.4 (MANE Select); coding-DNA position 851, C replaced by T.
Protein change: p.Ser284Phe; replaces serine 284 with phenylalanine.
Molecular consequence: missense variant.
Genome position (GRCh38, 1-based): chr1:151,801,854, G>A on the plus strand (C>T on the coding strand, the complement: LINGO4 is on the minus strand). VCF-style: chr1-151801854-G-A. GRCh37 (hg19) VCF-style: chr1-151774330-G-A.
Other names: short protein forms S284F.
Identifiers: ClinVar variation 438604 (VCV000438604.3), dbSNP rs151205204, ClinGen allele CA1095467.
Genomic context (GRCh38, chr1:151,801,854, plus strand): 5'-TCCTGGAGCCGCACCAGGGGGCTGAGCCTTCGGGCTGGGATGGCTGAGATGGGATTCTGG[G>A]ACAGATCCAGGACCCTGAGGAAGCTGAGGTGGTACAGTGCTTGGAAGGGCACCGAGCTCA-3'
Protein context (NP_001004432.1, residues 274-294): HLSFLRVLDL[Ser284Phe]QNPISAIPAR